The following is an entry in ClinVar:

ClinVar aggregate classification (germline): Pathogenic/Likely pathogenic. Review status: criteria provided, multiple submitters, no conflicts (2 of 4 stars). 8 submissions from 8 submitters: Pathogenic (6); Likely pathogenic (1). 1 of the submissions does not count toward it. Last evaluated 2025-12-04.

Conditions:
SLC12A3-related disorder. Also called: SLC12A3-related condition.
Familial hypokalemia-hypomagnesemia (GTLMNS). Also called: gitelman syndrome; POTASSIUM AND MAGNESIUM DEPLETION; HYPOMAGNESEMIA-HYPOKALEMIA, PRIMARY RENOTUBULAR, WITH HYPOCALCIURIA. Identifiers: Orphanet 358, MedGen C0268450, MONDO:0009904, OMIM 263800.

Allele frequency attached by ClinVar (database versions not stated): TOPMed below 0.00001; ExAC 0.00001; gnomAD 0.00001; gnomAD exomes 0.00001.
gnomAD v4.1: 9 of 1,611,346 alleles (0.00056%); highest among the groups gnomAD compares: Non-Finnish European, 0.00076%; no homozygotes.

Submissions (8):

Victorian Clinical Genetics Services, Murdoch Childrens Research Institute
Classification: Pathogenic for Familial hypokalemia-hypomagnesemia. Last evaluated: 2025-12-04. Review status: criteria provided, single submitter. Criteria: ACMG Guidelines, 2015. Collection method: clinical testing. Allele origin: germline. Affected: yes.
Comment: This variant is classified as Pathogenic. Evidence in support of pathogenic classification: Canonical splice site variant without proven consequence on splicing (no functional evidence available); Variant is present in gnomAD <0.01 for a recessive condition (v4: 9 heterozygote(s), 0 homozygote(s)); This variant has strong previous evidence of pathogenicity in unrelated individuals. This variant has been classified as pathogenic/likely pathogenic by clinical laboratories in ClinVar, and reported in the literature in a compound heterozygous individual with Gitelman syndrome (PMID: 8528245); Another splice site variant comparable to the one identified in this case has limited previous evidence for pathogenicity. c.1926-2A>T has been reported in the literature in a compound heterozygous individual with Gitelman syndrome (PMID: 27454426); Abnormal splicing is predicted by in silico tool and affected nucleotide is highly conserved. Additional information: This variant is heterozygous; This gene is associated with autosomal recessive disease; No published functional evidence has been identified for this variant; Loss of function is a known mechanism of disease in this gene and is associated with Gitelman syndrome (MIM#263800); Inheritance information for this variant is not currently available in this individual.

Natera, Inc.
Classification: Pathogenic for Gitelman syndrome. Last evaluated: 2025-03-24. Review status: criteria provided, single submitter. Criteria: Natera Variant Classification Schema (03/2026). Collection method: clinical testing. Allele origin: germline.
Comment: The c.1926-1G>T variant in SLC12A3 is a canonical splice acceptor site variant predicted to affect pre-mRNA splicing, which may result in an abnormal transcript and altered protein product. This variant is expected to result in nonsense mediated decay, truncation, or a dysfunctional protein product. This variant is rare in the general population with a frequency below the threshold expected for the associated phenotype(s). This variant has been observed in one or more individuals affected with the associated recessive disease, as either homozygous or compound heterozygous with a second variant (PMID: 8528245). Given the available evidence, this variant is classified as Pathogenic.

Labcorp Genetics (formerly Invitae), Labcorp
Classification: Pathogenic. Last evaluated: 2024-09-12. Review status: criteria provided, single submitter. Criteria: Invitae Variant Classification Sherloc (09022015). Collection method: clinical testing. Allele origin: germline.
Comment: This sequence change affects an acceptor splice site in intron 15 of the SLC12A3 gene. It is expected to disrupt RNA splicing. Variants that disrupt the donor or acceptor splice site typically lead to a loss of protein function (PMID: 16199547), and loss-of-function variants in SLC12A3 are known to be pathogenic (PMID: 20848653, 22009145, 25841442). This variant is present in population databases (rs755560627, gnomAD 0.003%). Disruption of this splice site has been observed in individual(s) with Gitelman syndrome (PMID: 8528245). In at least one individual the data is consistent with being in trans (on the opposite chromosome) from a pathogenic variant. ClinVar contains an entry for this variant (Variation ID: 8587). Algorithms developed to predict the effect of sequence changes on RNA splicing suggest that this variant may disrupt the consensus splice site. For these reasons, this variant has been classified as Pathogenic.

Women's Health and Genetics/Laboratory Corporation of America, LabCorp
Classification: Likely pathogenic for Familial hypokalemia-hypomagnesemia. Last evaluated: 2024-07-10. Review status: criteria provided, single submitter. Criteria: LabCorp Variant Classification Summary - May 2015. Collection method: clinical testing. Allele origin: germline.
Comment: Variant summary: SLC12A3 c.1926-1G>T is located in a canonical splice-site and is predicted to affect mRNA splicing resulting in a significantly altered protein due to either exon skipping, shortening, or inclusion of intronic material. Several computational tools predict a significant impact on normal splicing: Four predict the variant abolishes a canonical 3' acceptor site. However, these predictions have yet to be confirmed by functional studies. The variant allele was found at a frequency of 1.2e-05 in 249780 control chromosomes. c.1926-1G>T has been reported in the literature in an individual affected with Gitelman syndrome (Simon_1996). To our knowledge, no experimental evidence demonstrating an impact on protein function has been reported. The following publication has been ascertained in the context of this evaluation (PMID: 8528245). ClinVar contains an entry for this variant (Variation ID: 8587). Based on the evidence outlined above, the variant was classified as likely pathogenic.

Fulgent Genetics
Classification: Pathogenic for Familial hypokalemia-hypomagnesemia. Last evaluated: 2024-05-22. Review status: criteria provided, single submitter. Criteria: ACMG Guidelines, 2015. Collection method: clinical testing. Allele origin: germline.

Revvity Omics, Revvity
Classification: Pathogenic for Familial hypokalemia-hypomagnesemia. Last evaluated: 2024-02-29. Review status: criteria provided, single submitter. Criteria: ACMG Guidelines, 2015. Collection method: clinical testing. Allele origin: germline.

Blueprint Genetics
Classification: Pathogenic for SLC12A3-related disorders. Last evaluated: 2022-02-25. Review status: criteria provided, single submitter. Criteria: ACMG Guidelines, 2015. Collection method: clinical testing. Allele origin: germline. Affected: yes. Observed: 5 variant alleles.

OMIM
Classification: Pathogenic for GITELMAN SYNDROME. Last evaluated: 1996-01-01. Review status: no assertion criteria provided. Collection method: literature only. Allele origin: germline. Not counted in ClinVar's aggregate classification.

Literature cited by the submitters: PubMed 27454426 (cited by Victorian Clinical Genetics Services, Murdoch Childrens Research Institute); PubMed 8528245 (cited by 5 submitters); PubMed 16199547 (cited by Labcorp Genetics (formerly Invitae), Labcorp); PubMed 20848653 (cited by Labcorp Genetics (formerly Invitae), Labcorp); PubMed 22009145 (cited by Labcorp Genetics (formerly Invitae), Labcorp); PubMed 25841442 (cited by Labcorp Genetics (formerly Invitae), Labcorp).

NM_001126108.2(SLC12A3):c.1926-1G>T

Gene: SLC12A3 (solute carrier family 12 member 3; plus strand). Cytogenetic location: 16q13.
Variant type: single nucleotide variant.
Coding change: c.1926-1G>T on transcript NM_001126108.2 (MANE Select); the canonical splice acceptor site of the intron before coding-DNA position 1926, G replaced by T.
Molecular consequence: splice acceptor variant.
Genome position (GRCh38, 1-based): chr16:56,886,363, G>T. VCF-style: chr16-56886363-G-T. GRCh37 (hg19) VCF-style: chr16-56920275-G-T.
Other names: IVS15AS, G-T, -1; c.1926-1G>T (NM_000339.3); c.1923-1G>T (NM_001126107.2, NM_001410896.1).
Identifiers: ClinVar variation 8587 (VCV000008587.17), dbSNP rs755560627, ClinGen allele CA8069666.